The following is an entry in ClinVar:

ClinVar aggregate classification (germline): Uncertain significance (1 of 4 stars; one submission).

Conditions:
Primary ciliary dyskinesia. Also called: Ciliary dyskinesia. Identifiers: Orphanet 244, MedGen C0008780, MONDO:0016575, HP:0012265.

Allele frequency attached by ClinVar (database versions not stated): gnomAD 0.00002; TOPMed 0.00002.
gnomAD v4.1: 21 of 1,610,370 alleles (0.0013%); highest among the groups gnomAD compares: Non-Finnish European, 0.0017%; no homozygotes.

Submission:

Labcorp Genetics (formerly Invitae), Labcorp
Classification: Uncertain significance for Primary ciliary dyskinesia. Last evaluated: 2022-08-19. Review status: criteria provided, single submitter. Criteria: Invitae Variant Classification Sherloc (09022015). Collection method: clinical testing. Allele origin: germline.
Comment: This sequence change replaces histidine, which is basic and polar, with proline, which is neutral and non-polar, at codon 426 of the DNAH8 protein (p.His426Pro). In summary, the available evidence is currently insufficient to determine the role of this variant in disease. Therefore, it has been classified as a Variant of Uncertain Significance. Algorithms developed to predict the effect of missense changes on protein structure and function are either unavailable or do not agree on the potential impact of this missense change (SIFT: "Deleterious"; PolyPhen-2: "Not Available"; Align-GVGD: "Class C0"). ClinVar contains an entry for this variant (Variation ID: 1429719). This variant has not been reported in the literature in individuals affected with DNAH8-related conditions. This variant is present in population databases (no rsID available, gnomAD 0.003%).

NM_001206927.2(DNAH8):c.1277A>C (p.His426Pro)

Gene: DNAH8 (dynein axonemal heavy chain 8; plus strand). Cytogenetic location: 6p21.2.
Variant type: single nucleotide variant.
Coding change: c.1277A>C on transcript NM_001206927.2 (MANE Select); coding-DNA position 1277, A replaced by C.
Protein change: p.His426Pro; replaces histidine 426 with proline.
Molecular consequence: missense variant.
Genome position (GRCh38, 1-based): chr6:38,741,871, A>C. VCF-style: chr6-38741871-A-C. GRCh37 (hg19) VCF-style: chr6-38709647-A-C.
Other names: c.626A>C, p.His209Pro (NM_001371.4); short protein forms H426P, H209P.
Identifiers: ClinVar variation 1429719 (VCV001429719.6), dbSNP rs757379846, ClinGen allele CA363987801.